The following is an entry in ClinVar:

NM_001023570.4(IQCB1):c.366A>C (p.Leu122Phe)

Gene: IQCB1 (IQ motif containing B1; minus strand). Cytogenetic location: 3q13.33.
Variant type: single nucleotide variant.
Coding change: c.366A>C on transcript NM_001023570.4 (MANE Select); coding-DNA position 366, A replaced by C.
Protein change: p.Leu122Phe; replaces leucine 122 with phenylalanine.
Molecular consequence: missense variant. On other transcripts: non-coding transcript variant (1).
Genome position (GRCh38, 1-based): chr3:121,826,078, T>G on the plus strand (A>C on the coding strand, the complement: IQCB1 is on the minus strand). VCF-style: chr3-121826078-T-G. GRCh37 (hg19) VCF-style: chr3-121544925-T-G.
Other names: c.366A>C, p.Leu122Phe (NM_001023571.4, NM_001319107.2); short protein forms L122F.
Identifiers: ClinVar variation 1504224 (VCV001504224.8), dbSNP rs766755059, ClinGen allele CA354111477.
Genomic context (GRCh38, chr3:121,826,078, plus strand): 5'-GATTTAGCTACAAAAGACTAAATAAACACATACCTTAGCTGCATTGATAAAACATGTTTG[T>G]AATTGTCTCCCCAAAACTAGAAAATTTTCTGCAGCTGATGGAAGTAATTCATTGTAAAAT-3'
Protein context (NP_001018864.2, residues 112-132): AENFLVLGRQ[Leu122Phe]QTCFINAAKA

ClinVar aggregate classification (germline): Uncertain significance (1 of 4 stars; one submission).

Conditions:
Nephronophthisis. Also called: Juvenile Nephronophthisis. Identifiers: Orphanet 655, MedGen C0687120, MONDO:0019005, HP:0000090.

gnomAD v4.1: 1 of 1,613,316 alleles (0.000062%); highest among the groups gnomAD compares: African/African-American, 0.0013%; no homozygotes.

Submission:

Labcorp Genetics (formerly Invitae), Labcorp
Classification: Uncertain significance for Nephronophthisis. Last evaluated: 2024-07-22. Review status: criteria provided, single submitter. Criteria: Invitae Variant Classification Sherloc (09022015). Collection method: clinical testing. Allele origin: germline.
Comment: This sequence change replaces leucine, which is neutral and non-polar, with phenylalanine, which is neutral and non-polar, at codon 122 of the IQCB1 protein (p.Leu122Phe). This variant is not present in population databases (gnomAD no frequency). This variant has not been reported in the literature in individuals affected with IQCB1-related conditions. ClinVar contains an entry for this variant (Variation ID: 1504224). Advanced modeling of protein sequence and biophysical properties (such as structural, functional, and spatial information, amino acid conservation, physicochemical variation, residue mobility, and thermodynamic stability) performed at Invitae indicates that this missense variant is not expected to disrupt IQCB1 protein function with a negative predictive value of 80%. In summary, the available evidence is currently insufficient to determine the role of this variant in disease. Therefore, it has been classified as a Variant of Uncertain Significance.